The following is an entry in ClinVar:

ClinVar aggregate classification (germline): Conflicting classifications of pathogenicity. Review status: criteria provided, conflicting classifications (1 of 4 stars). 3 submissions from 3 submitters: Uncertain significance (1); Likely benign (2). Last evaluated 2026-01-04.

Conditions:
Cyclical neutropenia. Also called: Cyclic Neutropenia; Cyclic hematopoiesis. Identifiers: Orphanet 2686, MedGen C0221023, MONDO:0008090, OMIM 162800, HP:0040289. Disease mechanism: loss of function.
Neutropenia, severe congenital, 1, autosomal dominant. Identifiers: MedGen C1859966, MONDO:0042490, OMIM 202700.
Inborn genetic diseases. Identifiers: MedGen C0950123, MeSH D030342.

Allele frequency attached by ClinVar (database versions not stated): TOPMed 0.00010; gnomAD 0.00011 and 0.00009; 1000 Genomes Project 30x 0.00016; 1000 Genomes Project 0.00020; gnomAD exomes 0.00001 and 0.00002; ExAC 0.00004.

Submissions (3):

Labcorp Genetics (formerly Invitae), Labcorp
Classification: Likely benign for Neutropenia, severe congenital, 1, autosomal dominant; Cyclical neutropenia. Last evaluated: 2026-01-04. Review status: criteria provided, single submitter. Criteria: Invitae Variant Classification Sherloc (09022015). Collection method: clinical testing. Allele origin: germline.

Ambry Genetics
Classification: Likely benign for Inborn genetic diseases. Last evaluated: 2024-11-21. Review status: criteria provided, single submitter. Criteria: Ambry Variant Classification Scheme 2023. Collection method: clinical testing. Allele origin: germline.

GeneDx
Classification: Uncertain significance. Last evaluated: 2017-05-25. Review status: criteria provided, single submitter. Criteria: GeneDx Variant Classification (06012015). Collection method: clinical testing. Allele origin: germline. Affected: yes.
Comment: The L158V variant has not been published as a pathogenic variant, nor has it been reported as a benign variant to our knowledge. The variant is observed in 5/9614 (0.052%) alleles from individuals of African background in the ExAC dataset (Lek et al., 2016). L158V is a conservative amino acid substitution, which is not likely to impact secondary protein structure as these residues share similar properties. This substitution occurs at a position that is not conserved, and in silico analysis predicts this variant likely does not alter the protein structure/function. However, this variant occurs in the Peptidase S1 domain, and missense variants in nearby residues (A153P/D, M154R, W156C/G/R) have been reported in the Human Gene Mutation Database in association with neutropenia (Stenson et al., 2014), supporting the functional importance of this region of the protein. In summary, based on the currently available information, it is unclear whether this variant is a pathogenic variant or a rare benign variant.

NM_001972.4(ELANE):c.472C>G (p.Leu158Val)

Gene: ELANE (elastase, neutrophil expressed; plus strand). Cytogenetic location: 19p13.3.
Variant type: single nucleotide variant.
Coding change: c.472C>G on transcript NM_001972.4 (MANE Select); coding-DNA position 472, C replaced by G.
Protein change: p.Leu158Val; replaces leucine 158 with valine.
Molecular consequence: missense variant.
Genome position (GRCh38, 1-based): chr19:855,669, C>G. VCF-style: chr19-855669-C-G. GRCh37 (hg19) VCF-style: chr19-855669-C-G.
Other names: c.472C>G (LRG_57t1); short protein forms L158V.
Identifiers: ClinVar variation 430324 (VCV000430324.10), dbSNP rs535990034, ClinGen allele CA9026068.